The following is an entry in ClinVar:

NM_001165963.4(SCN1A):c.4002+2260T>C

Genes: SCN1A (sodium voltage-gated channel alpha subunit 1; minus strand), LOC102724058 (uncharacterized LOC102724058; plus strand). Cytogenetic location: 2q24.3.
Variant type: single nucleotide variant.
Coding change: c.4002+2260T>C on transcript NM_001165963.4 (MANE Select); 2260 bases into the intron after coding-DNA position 4002, T replaced by C.
Molecular consequence: intron variant.
Genome position (GRCh38, 1-based): chr2:166,007,459, A>G on the plus strand (T>C on the coding strand, the complement: SCN1A is on the minus strand). VCF-style: chr2-166007459-A-G. GRCh37 (hg19) VCF-style: chr2-166863969-A-G.
Other names: c.3969+2260T>C (NM_001353949.2, NM_001353950.2, NM_001353951.2 and 2 more transcripts); c.3918+2260T>C (NM_001353958.2, NM_001353957.2, NM_001165964.3); c.4002+2260T>C (NM_001202435.3, NM_001353948.2); c.3966+2260T>C (NM_001353955.2, NM_001353954.2); c.3915+2260T>C (NM_001353960.2); c.1560+2260T>C (NM_001353961.2).
Identifiers: ClinVar variation 2067788 (VCV002067788.4), dbSNP rs1210312259, ClinGen allele CA760220847.

ClinVar aggregate classification (germline): Uncertain significance (1 of 4 stars; one submission).

Conditions:
Early-infantile DEE. Also called: Early infantile epileptic encephalopathy; Ohtahara syndrome; Early infantile epileptic encephalopathy with suppression bursts. Identifiers: Orphanet 1934, MedGen C0393706, MONDO:0800491.

Allele frequency attached by ClinVar (database versions not stated): gnomAD 0.00001; TOPMed 0.00001.

Submission:

Labcorp Genetics (formerly Invitae), Labcorp
Classification: Uncertain significance for Early-infantile DEE. Last evaluated: 2025-11-17. Review status: criteria provided, single submitter. Criteria: Invitae Variant Classification Sherloc (09022015). Collection method: clinical testing. Allele origin: germline.
Comment: This sequence change falls in intron 20 of the SCN1A gene. It does not directly change the encoded amino acid sequence of the SCN1A protein. However, this sequence change falls within a region encompassing a cryptic exon in the SCN1A gene, in which variants have been shown to alter splicing (PMID: 30526861, 34107977). This variant is not present in population databases (gnomAD no frequency). This variant has not been reported in the literature in individuals affected with SCN1A-related conditions. ClinVar contains an entry for this variant (Variation ID: 2067788). Algorithms developed to predict the effect of sequence changes on RNA splicing suggest that this variant is not likely to affect RNA splicing. In summary, the available evidence is currently insufficient to determine the role of this variant in disease. Therefore, it has been classified as a Variant of Uncertain Significance.

Literature cited by the submitters: PubMed 30526861; PubMed 34107977.